The following is an entry in ClinVar:

NM_020937.4(FANCM):c.1230G>T (p.Met410Ile)

Gene: FANCM (FA complementation group M; plus strand). Cytogenetic location: 14q21.2.
Variant type: single nucleotide variant.
Coding change: c.1230G>T on transcript NM_020937.4 (MANE Select); coding-DNA position 1230, G replaced by T.
Protein change: p.Met410Ile; replaces methionine 410 with isoleucine.
Molecular consequence: missense variant.
Genome position (GRCh38, 1-based): chr14:45,154,743, G>T. VCF-style: chr14-45154743-G-T. GRCh37 (hg19) VCF-style: chr14-45623946-G-T.
Other names: c.1152G>T, p.Met384Ile (NM_001308133.2); c.1230G>T, p.Met410Ile (NM_001308134.2); short protein forms M410I, M384I.
Identifiers: ClinVar variation 3572280 (VCV003572280.2).

ClinVar aggregate classification (germline): Uncertain significance. Review status: criteria provided, multiple submitters, no conflicts (2 of 4 stars). 2 submissions from 2 submitters: Uncertain significance (2). Last evaluated 2026-03-10.

Conditions:
Inborn genetic diseases. Identifiers: MedGen C0950123, MeSH D030342.

Submissions (2):

Ambry Genetics
Classification: Uncertain significance for Inborn genetic diseases. Last evaluated: 2026-03-10. Review status: criteria provided, single submitter. Criteria: Ambry Variant Classification Scheme 2023. Collection method: clinical testing. Allele origin: germline.
Comment: The p.M410I variant (also known as c.1230G>T), located in coding exon 7 of the FANCM gene, results from a G to T substitution at nucleotide position 1230. The methionine at codon 410 is replaced by isoleucine, an amino acid with highly similar properties. This amino acid position is conserved. In addition, this alteration is predicted to be tolerated by in silico analysis. Based on the available evidence, the clinical significance of this variant remains unclear.

Quest Diagnostics Nichols Institute San Juan Capistrano
Classification: Uncertain significance. Last evaluated: 2024-01-24. Review status: criteria provided, single submitter. Criteria: Quest Diagnostics criteria. Collection method: clinical testing. Allele origin: unknown.
Comment: The FANCM c.1230G>T (p.Met410Ile) variant has not been reported in individuals with FANCM-related conditions in the published literature. It also has not been reported in large, multi-ethnic general populations (Genome Aggregation Database). Analysis of this variant using bioinformatics tools for the prediction of the effect of amino acid changes on protein structure and function yielded predictions that this variant is benign. Based on the available information, we are unable to determine the clinical significance of this variant.